The following is an entry in ClinVar:

NM_001005242.3(PKP2):c.1216G>T (p.Val406Phe)

Gene: PKP2 (plakophilin 2; minus strand). Cytogenetic location: 12p11.21.
Variant type: single nucleotide variant.
Coding change: c.1216G>T on transcript NM_001005242.3 (MANE Select); coding-DNA position 1216, G replaced by T.
Protein change: p.Val406Phe; replaces valine 406 with phenylalanine.
Molecular consequence: missense variant.
Genome position (GRCh38, 1-based): chr12:32,850,928, C>A on the plus strand (G>T on the coding strand, the complement: PKP2 is on the minus strand). VCF-style: chr12-32850928-C-A. GRCh37 (hg19) VCF-style: chr12-33003862-C-A.
Other names: c.1216G>T, p.Val406Phe (NM_001407155.1, NM_001407156.1, NM_001407157.1 and 2 more transcripts); c.889G>T, p.Val297Phe (NM_001407158.1, NM_001407159.1, NM_001407160.1 and 1 more transcripts); short protein forms V406F, V297F.
Identifiers: ClinVar variation 3659115 (VCV003659115.2).

ClinVar aggregate classification (germline): Uncertain significance (1 of 4 stars; one submission).

Conditions:
Arrhythmogenic right ventricular dysplasia 9 (ARVD9). Also called: Arrhythmogenic Right Ventricular Dysplasia/Cardiomyopathy 9; ARRHYTHMOGENIC RIGHT VENTRICULAR DYSPLASIA, FAMILIAL, 9. Identifiers: MedGen C1836906, MONDO:0012180, OMIM 609040.

Submission:

Labcorp Genetics (formerly Invitae), Labcorp
Classification: Uncertain significance for Arrhythmogenic right ventricular dysplasia 9. Last evaluated: 2024-07-10. Review status: criteria provided, single submitter. Criteria: Invitae Variant Classification Sherloc (09022015). Collection method: clinical testing. Allele origin: germline.
Comment: This sequence change replaces valine, which is neutral and non-polar, with phenylalanine, which is neutral and non-polar, at codon 406 of the PKP2 protein (p.Val406Phe). This variant is not present in population databases (gnomAD no frequency). This variant has not been reported in the literature in individuals affected with PKP2-related conditions. An algorithm developed to predict the effect of missense changes on protein structure and function (PolyPhen-2) suggests that this variant is likely to be disruptive. In summary, the available evidence is currently insufficient to determine the role of this variant in disease. Therefore, it has been classified as a Variant of Uncertain Significance.